The following is an entry in ClinVar:

NM_001190274.2(FBXO11):c.66A>G (p.Gln22=)

Genes: FBXO11 (F-box protein 11; minus strand), LOC100506235 (uncharacterized LOC100506235; plus strand). Cytogenetic location: 2p16.3.
Variant type: single nucleotide variant.
Coding change: c.66A>G on transcript NM_001190274.2 (MANE Select); coding-DNA position 66, A replaced by G.
Protein change: p.Gln22=; no amino-acid change (glutamine 22 retained).
Molecular consequence: synonymous variant. On other transcripts: non-coding transcript variant (1).
Genome position (GRCh38, 1-based): chr2:47,905,655, T>C on the plus strand (A>G on the coding strand, the complement: FBXO11 is on the minus strand). VCF-style: chr2-47905655-T-C. GRCh37 (hg19) VCF-style: chr2-48132794-T-C.
Identifiers: ClinVar variation 3067255 (VCV003067255.20), dbSNP rs1572943702, ClinGen allele CA426085626.

ClinVar aggregate classification (germline): Likely benign (1 of 4 stars; one submission).

Allele frequency attached by ClinVar (database versions not stated): gnomAD exomes below 0.00001.
gnomAD v4.1: 1 of 1,479,668 alleles (0.000068%); highest among the groups gnomAD compares: East Asian, 0.003%; no homozygotes.

Submission:

CeGaT Center for Human Genetics Tuebingen
Classification: Likely benign. Last evaluated: 2024-03-01. Review status: criteria provided, single submitter. Criteria: CeGaT Center For Human Genetics Tuebingen Variant Classification Criteria Version 2. Collection method: clinical testing. Allele origin: germline. Affected: yes. Observed: 1 variant allele.
Comment: FBXO11: PM2:Supporting, BP4, BP7